The following is an entry in ClinVar:

ClinVar aggregate classification (germline): Uncertain significance (1 of 4 stars; one submission).

Conditions:
Multiple endocrine neoplasia, type 2 (MEN2). Identifiers: Orphanet 653, MedGen C4048306, MONDO:0019003. Disease mechanism: gain of function.

Allele frequency attached by ClinVar (database versions not stated): gnomAD exomes below 0.00001.
gnomAD v4.1: 3 of 1,614,000 alleles (0.00019%); highest among the groups gnomAD compares: South Asian, 0.0011%; no homozygotes.

Submission:

Labcorp Genetics (formerly Invitae), Labcorp
Classification: Uncertain significance for Multiple endocrine neoplasia, type 2. Last evaluated: 2024-08-07. Review status: criteria provided, single submitter. Criteria: Invitae Variant Classification Sherloc (09022015). Collection method: clinical testing. Allele origin: germline.
Comment: This sequence change replaces asparagine, which is neutral and polar, with tyrosine, which is neutral and polar, at codon 1045 of the RET protein (p.Asn1045Tyr). This variant is present in population databases (no rsID available, gnomAD 0.0009%). This variant has not been reported in the literature in individuals affected with RET-related conditions. An algorithm developed to predict the effect of missense changes on protein structure and function (PolyPhen-2) suggests that this variant is likely to be tolerated. Algorithms developed to predict the effect of sequence changes on RNA splicing suggest that this variant may disrupt the consensus splice site. In summary, the available evidence is currently insufficient to determine the role of this variant in disease. Therefore, it has been classified as a Variant of Uncertain Significance.

NM_020975.6(RET):c.3133A>T (p.Asn1045Tyr)

Gene: RET (ret proto-oncogene; plus strand). Cytogenetic location: 10q11.21.
Variant type: single nucleotide variant.
Coding change: c.3133A>T on transcript NM_020975.6 (MANE Select); coding-DNA position 3133, A replaced by T.
Protein change: p.Asn1045Tyr; replaces asparagine 1045 with tyrosine.
Molecular consequence: missense variant. On other transcripts: intron variant (4).
Genome position (GRCh38, 1-based): chr10:43,126,668, A>T. VCF-style: chr10-43126668-A-T. GRCh37 (hg19) VCF-style: chr10-43622116-A-T.
Other names: c.2845A>T, p.Asn949Tyr (NM_001406767.1, NM_001406770.1, NM_001406766.1); c.2869A>T, p.Asn957Tyr (NM_001406768.1); c.2737A>T, p.Asn913Tyr (NM_001406769.1, NM_001406772.1); c.2695A>T, p.Asn899Tyr (NM_001406771.1, NM_001406773.1); c.2608A>T, p.Asn870Tyr (NM_001406774.1); c.2407A>T, p.Asn803Tyr (NM_001406775.1, NM_001406776.1, NM_001406778.1); c.2101A>T, p.Asn701Tyr (NM_001406787.1); c.1948A>T, p.Asn650Tyr (NM_001406788.1, NM_001406789.1, NM_001406790.1); and 13 more; short protein forms N715Y, N791Y, N803Y, N899Y, N1002Y, N1045Y, N701Y, N706Y.
Identifiers: ClinVar variation 2873027 (VCV002873027.3), dbSNP rs1366823168, ClinGen allele CA376558462.